The following is an entry in ClinVar:

ClinVar aggregate classification (germline): not provided (0 of 4 stars; one submission).

Conditions:
Seizures, benign familial neonatal, 1. Also called: KCNQ2-Related Benign Familial Neonatal Epilepsy; Benign Neonatal Epilepsy 1; KCNQ2-Related Self-Limited Familial Neonatal Epilepsy (SLFNE); Seizures, benign neonatal, 1. Identifiers: Orphanet 1949, MedGen C3149074, MONDO:0007365, OMIM 121200.

Submission:

GeneReviews
No classification provided. Condition: Seizures, benign familial neonatal, 1. Review status: no classification provided. Collection method: literature only. Allele origin: germline. Affected: yes.
Comment: BFNE (benign familial neonatal epilepsy)

Literature cited by the submitters: PubMed 24375629; NCBI Bookshelf NBK32534.

NM_172107.2(KCNQ2):c.1764-?_(*455_?)del

Gene: KCNQ2 (potassium voltage-gated channel subfamily Q member 2; minus strand). Cytogenetic location: 20q13.33.
Variant type: Deletion.
Coding change: c.1764-?_(*455_?)del on transcript NM_172107.2.
Identifiers: ClinVar variation 369809 (VCV000369809.2).